The following is an entry in ClinVar:

ClinVar aggregate classification (germline): Uncertain significance (1 of 4 stars; one submission).

Conditions:
Colorectal cancer, hereditary nonpolyposis, type 7. Identifiers: Orphanet 144, MedGen C1858380, MONDO:0013725, OMIM 614385.

Allele frequency attached by ClinVar (database versions not stated): gnomAD exomes below 0.00001.

Submission:

Labcorp Genetics (formerly Invitae), Labcorp
Classification: Uncertain significance for Colorectal cancer, hereditary nonpolyposis, type 7. Last evaluated: 2022-05-11. Review status: criteria provided, single submitter. Criteria: Invitae Variant Classification Sherloc (09022015). Collection method: clinical testing. Allele origin: germline.
Comment: This sequence change affects the initiator methionine of the MLH3 mRNA. The next in-frame methionine is located at codon 47. This variant is not present in population databases (gnomAD no frequency). This variant has not been reported in the literature in individuals affected with MLH3-related conditions. Experimental studies and prediction algorithms are not available or were not evaluated, and the functional significance of this variant is currently unknown. In summary, the available evidence is currently insufficient to determine the role of this variant in disease. Therefore, it has been classified as a Variant of Uncertain Significance.

NM_001040108.2(MLH3):c.1A>G (p.Met1Val)

Gene: MLH3 (mutL homolog 3; minus strand). Cytogenetic location: 14q24.3.
Variant type: single nucleotide variant.
Coding change: c.1A>G on transcript NM_001040108.2 (MANE Select); coding-DNA position 1, A replaced by G.
Protein change: p.Met1Val; changes the start codon (methionine 1).
Molecular consequence: missense variant, initiator codon variant.
Genome position (GRCh38, 1-based): chr14:75,049,655, T>C on the plus strand (A>G on the coding strand, the complement: MLH3 is on the minus strand). VCF-style: chr14-75049655-T-C. GRCh37 (hg19) VCF-style: chr14-75516358-T-C.
Other names: c.1A>G, p.Met1Val (NM_014381.3); short protein forms M1V.
Identifiers: ClinVar variation 1992929 (VCV001992929.5), dbSNP rs1892535492, ClinGen allele CA390452887.
Genomic context (GRCh38, chr14:75,049,655, plus strand): 5'-AGCTTATGGCCAAACCAGAACGCAATTTGGCTTGTACTTCAACTGACAAGCACTTGATCA[T>C]GGTAGGTAGAAAGATGGTGAGAATGCCAGGCACTGGTTTCCTTCTCTGACTGGAAATAAT-3'
Protein context (NP_001035197.1, residues 1-11): [Met1Val]IKCLSVEVQA